The following is an entry in ClinVar:

ClinVar aggregate classification (germline): Uncertain significance (1 of 4 stars; one submission).

Allele frequency attached by ClinVar (database versions not stated): TOPMed below 0.00001.

Submission:

Labcorp Genetics (formerly Invitae), Labcorp
Classification: Uncertain significance. Last evaluated: 2021-12-19. Review status: criteria provided, single submitter. Criteria: Invitae Variant Classification Sherloc (09022015). Collection method: clinical testing. Allele origin: germline.
Comment: This sequence change replaces glutamic acid, which is acidic and polar, with glycine, which is neutral and non-polar, at codon 615 of the COL18A1 protein (p.Glu615Gly). This variant is not present in population databases (gnomAD no frequency). In summary, the available evidence is currently insufficient to determine the role of this variant in disease. Therefore, it has been classified as a Variant of Uncertain Significance. Experimental studies and prediction algorithms are not available or were not evaluated, and the functional significance of this variant is currently unknown. This variant has not been reported in the literature in individuals affected with COL18A1-related conditions.

NM_001379500.1(COL18A1):c.1844A>G (p.Glu615Gly)

Gene: COL18A1 (collagen type XVIII alpha 1 chain; plus strand). Cytogenetic location: 21q22.3.
Variant type: single nucleotide variant.
Coding change: c.1844A>G on transcript NM_001379500.1 (MANE Select); coding-DNA position 1844, A replaced by G.
Protein change: p.Glu615Gly; replaces glutamic acid 615 with glycine.
Molecular consequence: missense variant.
Genome position (GRCh38, 1-based): chr21:45,487,457, A>G. VCF-style: chr21-45487457-A-G. GRCh37 (hg19) VCF-style: chr21-46907371-A-G.
Other names: c.2384A>G, p.Glu795Gly (NM_030582.4); c.3089A>G, p.Glu1030Gly (NM_130444.3); short protein forms E795G, E615G, E1030G.
Identifiers: ClinVar variation 2048332 (VCV002048332.4), dbSNP rs1286100081, ClinGen allele CA410496439.